The following is an entry in ClinVar:

NM_001134363.3(RBM20):c.2177G>A (p.Arg726Gln)

Gene: RBM20 (RNA binding motif protein 20; plus strand). Cytogenetic location: 10q25.2.
Variant type: single nucleotide variant.
Coding change: c.2177G>A on transcript NM_001134363.3 (MANE Select); coding-DNA position 2177, G replaced by A.
Protein change: p.Arg726Gln; replaces arginine 726 with glutamine.
Molecular consequence: missense variant.
Genome position (GRCh38, 1-based): chr10:110,812,574, G>A. VCF-style: chr10-110812574-G-A. GRCh37 (hg19) VCF-style: chr10-112572332-G-A.
Other names: short protein forms R726Q.
Identifiers: ClinVar variation 879146 (VCV000879146.8), dbSNP rs756116415, ClinGen allele CA213223915.

ClinVar aggregate classification (germline): Uncertain significance. Review status: criteria provided, multiple submitters, no conflicts (2 of 4 stars). 3 submissions from 3 submitters: Uncertain significance (3). Last evaluated 2026-06-22.

Conditions:
Dilated cardiomyopathy 1DD (CMD1DD). Identifiers: Orphanet 154, MedGen C2750995, MONDO:0013168, OMIM 613172.
Cardiovascular phenotype. Identifiers: MedGen CN230736.

Allele frequency attached by ClinVar (database versions not stated): TOPMed 0.00001.
gnomAD v4.1: 12 of 1,551,662 alleles (0.00077%); highest among the groups gnomAD compares: African/African-American, 0.0014%; no homozygotes.

Submissions (3):

Ambry Genetics
Classification: Uncertain significance for Cardiovascular phenotype. Last evaluated: 2026-06-22. Review status: criteria provided, single submitter. Criteria: Ambry Variant Classification Scheme 2023. Collection method: clinical testing. Allele origin: germline.
Comment: The p.R726Q variant (also known as c.2177G>A), located in coding exon 9 of the RBM20 gene, results from a G to A substitution at nucleotide position 2177. The arginine at codon 726 is replaced by glutamine, an amino acid with highly similar properties. This amino acid position is conserved. In addition, the in silico prediction for this alteration is inconclusive. Based on the available evidence, the clinical significance of this variant remains unclear.

Labcorp Genetics (formerly Invitae), Labcorp
Classification: Uncertain significance for Dilated cardiomyopathy 1DD. Last evaluated: 2025-03-18. Review status: criteria provided, single submitter. Criteria: Invitae Variant Classification Sherloc (09022015). Collection method: clinical testing. Allele origin: germline.
Comment: This sequence change replaces arginine, which is basic and polar, with glutamine, which is neutral and polar, at codon 726 of the RBM20 protein (p.Arg726Gln). This variant is not present in population databases (gnomAD no frequency). This variant has not been reported in the literature in individuals affected with RBM20-related conditions. ClinVar contains an entry for this variant (Variation ID: 879146). Invitae Evidence Modeling of protein sequence and biophysical properties (such as structural, functional, and spatial information, amino acid conservation, physicochemical variation, residue mobility, and thermodynamic stability) indicates that this missense variant is not expected to disrupt RBM20 protein function with a negative predictive value of 95%. In summary, the available evidence is currently insufficient to determine the role of this variant in disease. Therefore, it has been classified as a Variant of Uncertain Significance.

Illumina Laboratory Services, Illumina
Classification: Uncertain significance for Dilated cardiomyopathy 1DD. Last evaluated: 2018-01-12. Review status: criteria provided, single submitter. Criteria: ICSL Variant Classification Criteria 13 December 2019. Collection method: clinical testing. Allele origin: germline.